The following is an entry in ClinVar:

NM_001065.4(TNFRSF1A):c.799C>G (p.Leu267Val)

Gene: TNFRSF1A (TNF receptor superfamily member 1A; minus strand). Cytogenetic location: 12p13.31.
Variant type: single nucleotide variant.
Coding change: c.799C>G on transcript NM_001065.4 (MANE Select); coding-DNA position 799, C replaced by G.
Protein change: p.Leu267Val; replaces leucine 267 with valine.
Molecular consequence: missense variant. On other transcripts: non-coding transcript variant (1).
Genome position (GRCh38, 1-based): chr12:6,330,036, G>C on the plus strand (C>G on the coding strand, the complement: TNFRSF1A is on the minus strand). VCF-style: chr12-6330036-G-C. GRCh37 (hg19) VCF-style: chr12-6439202-G-C.
Other names: c.475C>G, p.Leu159Val (NM_001346091.2); c.340C>G, p.Leu114Val (NM_001346092.2); short protein forms L114V, L267V, L159V.
Identifiers: ClinVar variation 3971382 (VCV003971382.2).

ClinVar aggregate classification (germline): Uncertain significance. Review status: criteria provided, multiple submitters, no conflicts (2 of 4 stars). 2 submissions from 2 submitters: Uncertain significance (2). Last evaluated 2025-05-03.

Conditions:
TNF receptor-associated periodic fever syndrome (TRAPS) (FPF). Also called: TNF receptor 1-associated periodic fever syndrome; FAMILIAL HIBERNIAN FEVER; TNF RECEPTOR-ASSOCIATED PERIODIC SYNDROME; TUMOR NECROSIS FACTOR RECEPTOR-ASSOCIATED PERIODIC SYNDROME; Autosomal Dominant Familial Periodic Fever; TNF Receptor-Associated Periodic Fever Syndrome. Identifiers: Orphanet 32960, MedGen C1275126, MONDO:0007727, OMIM 142680.
Inborn genetic diseases. Identifiers: MedGen C0950123, MeSH D030342.

gnomAD v4.1: 3 of 1,612,766 alleles (0.00019%); highest among the groups gnomAD compares: African/African-American, 0.004%; no homozygotes.

Submissions (2):

Labcorp Genetics (formerly Invitae), Labcorp
Classification: Uncertain significance for TNF receptor-associated periodic fever syndrome (TRAPS). Last evaluated: 2025-05-03. Review status: criteria provided, single submitter. Criteria: Invitae Variant Classification Sherloc (09022015). Collection method: clinical testing. Allele origin: germline.
Comment: This sequence change replaces leucine, which is neutral and non-polar, with valine, which is neutral and non-polar, at codon 267 of the TNFRSF1A protein (p.Leu267Val). This variant is present in population databases (no rsID available, gnomAD 0.007%). This variant has not been reported in the literature in individuals affected with TNFRSF1A-related conditions. Invitae Evidence Modeling of protein sequence and biophysical properties (such as structural, functional, and spatial information, amino acid conservation, physicochemical variation, residue mobility, and thermodynamic stability) has been performed for this missense variant. However, the output from this modeling did not meet the statistical confidence thresholds required to predict the impact of this variant on TNFRSF1A protein function. In summary, the available evidence is currently insufficient to determine the role of this variant in disease. Therefore, it has been classified as a Variant of Uncertain Significance.

Ambry Genetics
Classification: Uncertain significance for Inborn genetic diseases. Last evaluated: 2025-03-19. Review status: criteria provided, single submitter. Criteria: Ambry Variant Classification Scheme 2023. Collection method: clinical testing. Allele origin: germline.